The following is an entry in ClinVar:

ClinVar aggregate classification (germline): Likely pathogenic (1 of 4 stars; one submission).

Conditions:
Hereditary spastic paraplegia 30. Identifiers: Orphanet 101010, MedGen C5235139, MONDO:0012476.

Submission:

Women's Health and Genetics/Laboratory Corporation of America, LabCorp
Classification: Likely pathogenic for Hereditary spastic paraplegia 30. Last evaluated: 2024-11-20. Review status: criteria provided, single submitter. Criteria: LabCorp Variant Classification Summary - May 2015. Collection method: clinical testing. Allele origin: germline.
Comment: Variant summary: KIF1A c.2900-1G>A is located in a canonical splice-site and is predicted to affect mRNA splicing resulting in a significantly altered protein due to either exon skipping, shortening, or inclusion of intronic material. Variants that disrupt the consensus splice site are a relatively common cause of aberrant splicing and loss of KIF1A function. Several computational tools predict a significant impact on normal splicing: Two predict the variant abolishes a 3' acceptor site. One predicts the variant creates a 3' acceptor site. One predicts the variant strengthens a cryptic 3' acceptor site. However, these predictions have yet to be confirmed by functional studies. The variant was absent in 235538 control chromosomes. To our knowledge, no occurrence of c.2900-1G>A in individuals affected with Hereditary Spastic Paraplegia 30 or other KIF1A-related conditions and no experimental evidence demonstrating its impact on protein function have been reported. No submitters have cited clinical-significance assessments for this variant to ClinVar. Based on the evidence outlined above, the variant was classified as likely pathogenic.

NM_001244008.2(KIF1A):c.3203-1G>A

Gene: KIF1A (kinesin family member 1A; minus strand). Cytogenetic location: 2q37.3.
Variant type: single nucleotide variant.
Coding change: c.3203-1G>A on transcript NM_001244008.2 (MANE Select); the canonical splice acceptor site of the intron before coding-DNA position 3203, G replaced by A.
Molecular consequence: splice acceptor variant. On other transcripts: intron variant (1).
Genome position (GRCh38, 1-based): chr2:240,745,910, C>T on the plus strand (G>A on the coding strand, the complement: KIF1A is on the minus strand). VCF-style: chr2-240745910-C-T. GRCh37 (hg19) VCF-style: chr2-241685327-C-T.
Other names: c.2900-1G>A (NM_001379653.1, NM_001379650.1, NM_001379641.1 and 5 more transcripts); c.3176-1G>A (NM_001379645.1, NM_001379633.1, NM_001379642.1); c.3002-1G>A (NM_001379635.1, NM_001330290.2, NM_001379646.1 and 1 more transcripts); c.2900-4G>A (NM_001379640.1); c.3152-1G>A (NM_001379632.1); c.2975-1G>A (NM_001379637.1, NM_001379648.1); c.2927-1G>A (NM_001320705.2, NM_001379638.1, NM_001330289.2); c.3278-1G>A (NM_001379631.1).
Identifiers: ClinVar variation 3629971 (VCV003629971.1).